The following is an entry in ClinVar:

ClinVar aggregate classification (germline): Uncertain significance (1 of 4 stars; one submission).

gnomAD v4.1: 1 of 1,614,030 alleles (0.000062%); highest among the groups gnomAD compares: Non-Finnish European, 0.000085%; no homozygotes.

Submission:

GeneDx
Classification: Uncertain significance. Last evaluated: 2025-02-24. Review status: criteria provided, single submitter. Criteria: GeneDx Variant Classification Process June 2021. Collection method: clinical testing. Allele origin: germline. Affected: yes.
Comment: Not observed at significant frequency in large population cohorts (gnomAD); In silico analysis supports that this missense variant has a deleterious effect on protein structure/function; This variant is associated with the following publications: (PMID: 28397838)

NM_177550.5(SLC13A5):c.254A>G (p.Asp85Gly)

Gene: SLC13A5 (solute carrier family 13 member 5; minus strand). Cytogenetic location: 17p13.1.
Variant type: single nucleotide variant.
Coding change: c.254A>G on transcript NM_177550.5 (MANE Select); coding-DNA position 254, A replaced by G.
Protein change: p.Asp85Gly; replaces aspartic acid 85 with glycine.
Molecular consequence: missense variant.
Genome position (GRCh38, 1-based): chr17:6,706,756, T>C on the plus strand (A>G on the coding strand, the complement: SLC13A5 is on the minus strand). VCF-style: chr17-6706756-T-C. GRCh37 (hg19) VCF-style: chr17-6610075-T-C.
Other names: c.254A>G, p.Asp85Gly (NM_001143838.3, NM_001284509.2); c.125A>G, p.Asp42Gly (NM_001284510.2); short protein forms D42G, D85G.
Identifiers: ClinVar variation 4076580 (VCV004076580.1).